The following is an entry in ClinVar:

ClinVar aggregate classification (germline): Uncertain significance. Review status: criteria provided, multiple submitters, no conflicts (2 of 4 stars). 4 submissions from 4 submitters: Uncertain significance (4). Last evaluated 2026-09-21.

Conditions:
Cardiomyopathy (CMYO). Also called: Cardiomyopathies. Identifiers: Orphanet 167848, MedGen C0878544, MONDO:0004994, HP:0001638. Inheritance: Various modes of inheritance.
Hypertrophic cardiomyopathy. Also called: HYPERTROPHIC MYOCARDIOPATHY. Identifiers: Orphanet 217569, MedGen C0007194, MeSH D002312, MONDO:0005045, HP:0001639.
Cardiovascular phenotype. Identifiers: MedGen CN230736.
Left ventricular noncompaction 10 (LVNC10). Identifiers: Orphanet 154, Orphanet 54260, MedGen C3715165, MONDO:0014163, OMIM 615396.

Allele frequency attached by ClinVar (database versions not stated): gnomAD exomes 0.00001; TOPMed 0.00001; gnomAD 0.00001.
gnomAD v4.1: 2 of 1,561,426 alleles (0.00013%); highest among the groups gnomAD compares: Non-Finnish European, 0.00017%; no homozygotes.

Submissions (4):

Molecular Diagnostic Laboratory for Inherited Cardiovascular Disease, Montreal Heart Institute
Classification: Uncertain significance for Cardiovascular phenotype. Last evaluated: 2026-09-21. Review status: criteria provided, single submitter. Criteria: ACMG Guidelines, 2015. Collection method: clinical testing. Allele origin: germline. Affected: yes.
Comment: PM2

Labcorp Genetics (formerly Invitae), Labcorp
Classification: Uncertain significance for Hypertrophic cardiomyopathy. Last evaluated: 2025-08-25. Review status: criteria provided, single submitter. Criteria: Invitae Variant Classification Sherloc (09022015). Collection method: clinical testing. Allele origin: germline.
Comment: This sequence change replaces glutamic acid, which is acidic and polar, with lysine, which is basic and polar, at codon 165 of the MYBPC3 protein (p.Glu165Lys). The frequency data for this variant in the population databases is considered unreliable, as metrics indicate poor data quality at this position in the gnomAD database. This variant has not been reported in the literature in individuals affected with MYBPC3-related conditions. ClinVar contains an entry for this variant (Variation ID: 982991). An algorithm developed to predict the effect of missense changes on protein structure and function (PolyPhen-2) suggests that this variant is likely to be disruptive. In summary, the available evidence is currently insufficient to determine the role of this variant in disease. Therefore, it has been classified as a Variant of Uncertain Significance.

Color Diagnostics, LLC DBA Color Health
Classification: Uncertain significance for Cardiomyopathy. Last evaluated: 2023-10-11. Review status: criteria provided, single submitter. Criteria: ACMG Guidelines, 2015. Collection method: clinical testing. Allele origin: germline.
Comment: This missense variant replaces glutamic acid with lysine at codon 165 of the MYBPC3 protein. Computational prediction suggests that this variant may not impact protein structure and function (internally defined REVEL score threshold <= 0.5, PMID: 27666373). To our knowledge, functional studies have not been reported for this variant. This variant has not been reported in individuals affected with MYBPC3-related disorders in the literature. This variant has been identified in 1/170336 chromosomes in the general population by the Genome Aggregation Database (gnomAD). The available evidence is insufficient to determine the role of this variant in disease conclusively. Therefore, this variant is classified as a Variant of Uncertain Significance.

Institute of Human Genetics, University of Leipzig Medical Center
Classification: Uncertain significance for Left ventricular noncompaction 10. Last evaluated: 2019-01-01. Review status: criteria provided, single submitter. Criteria: ACMG Guidelines, 2015. Collection method: clinical testing. Allele origin: unknown. Affected: yes.

NM_000256.3(MYBPC3):c.493G>A (p.Glu165Lys)

Gene: MYBPC3 (myosin binding protein C3; minus strand). Cytogenetic location: 11p11.2.
Variant type: single nucleotide variant.
Coding change: c.493G>A on transcript NM_000256.3 (MANE Select); coding-DNA position 493, G replaced by A.
Protein change: p.Glu165Lys; replaces glutamic acid 165 with lysine.
Molecular consequence: missense variant.
Genome position (GRCh38, 1-based): chr11:47,350,026, C>T on the plus strand (G>A on the coding strand, the complement: MYBPC3 is on the minus strand). VCF-style: chr11-47350026-C-T. GRCh37 (hg19) VCF-style: chr11-47371577-C-T.
Other names: short protein forms E165K.
Identifiers: ClinVar variation 982991 (VCV000982991.8), dbSNP rs867067602, ClinGen allele CA380338417.